The following is an entry in ClinVar:

NM_032578.4(MYPN):c.3167C>T (p.Ser1056Phe)

Gene: MYPN (myopalladin; plus strand). Cytogenetic location: 10q21.3.
Variant type: single nucleotide variant.
Coding change: c.3167C>T on transcript NM_032578.4 (MANE Select); coding-DNA position 3167, C replaced by T.
Protein change: p.Ser1056Phe; replaces serine 1056 with phenylalanine.
Molecular consequence: missense variant. On other transcripts: non-coding transcript variant (2).
Genome position (GRCh38, 1-based): chr10:68,197,360, C>T. VCF-style: chr10-68197360-C-T. GRCh37 (hg19) VCF-style: chr10-69957117-C-T.
Other names: c.3167C>T, p.Ser1056Phe (NM_001256267.2); c.2285C>T, p.Ser762Phe (NM_001256268.2); short protein forms S1056F, S762F.
Identifiers: ClinVar variation 518889 (VCV000518889.19), dbSNP rs373101027, ClinGen allele CA5522980.
Genomic context (GRCh38, chr10:68,197,360, plus strand): 5'-AGTTTGTAAATTTATTTCTATGTTTAATATCTGAACATGCTTGTTGTTATAGGGGAAGAT[C>T]CCGAGTGCAAGAAAGAGACAAAGAGCCCCTACAGGAACGCTTTTTCCGACCACATTTCCT-3'
Protein context (NP_115967.2, residues 1046-1066): TSAGQSHRGR[Ser1056Phe]RVQERDKEPL

ClinVar aggregate classification (germline): Likely benign. Review status: criteria provided, multiple submitters, no conflicts (2 of 4 stars). 4 submissions from 4 submitters: Likely benign (3). 1 of the submissions does not count toward it. Last evaluated 2025-07-19.

Conditions:
Cardiovascular phenotype. Identifiers: MedGen CN230736.
MYPN-related disorder. Also called: MYPN-related condition.
Dilated cardiomyopathy 1KK (CMD1KK). Identifiers: Orphanet 154, Orphanet 75249, MedGen C3714995, MONDO:0014100, OMIM 615248.
Hypertrophic cardiomyopathy. Also called: HYPERTROPHIC MYOCARDIOPATHY. Identifiers: Orphanet 217569, MedGen C0007194, MeSH D002312, MONDO:0005045, HP:0001639.

Allele frequency attached by ClinVar (database versions not stated): gnomAD 0.00001 and 0.00008; TOPMed 0.00001; 1000 Genomes Project 0.00020; gnomAD exomes 0.00021 and 0.00045; 1000 Genomes Project 30x 0.00031; ExAC 0.00057.
gnomAD v4.1: 315 of 1,613,402 alleles (0.02%); highest among the groups gnomAD compares: South Asian, 0.32%; 6 homozygotes.

Submissions (4):

Labcorp Genetics (formerly Invitae), Labcorp
Classification: Likely benign for Dilated cardiomyopathy 1KK. Last evaluated: 2025-07-19. Review status: criteria provided, single submitter. Criteria: Invitae Variant Classification Sherloc (09022015). Collection method: clinical testing. Allele origin: germline.

Ambry Genetics
Classification: Likely benign for Cardiovascular phenotype. Last evaluated: 2020-10-12. Review status: criteria provided, single submitter. Criteria: Ambry Variant Classification Scheme 2023. Collection method: clinical testing. Allele origin: germline.

Genetics and Genomics Program, Sidra Medicine
Classification: Likely benign for Hypertrophic cardiomyopathy. Review status: criteria provided, single submitter. Criteria: ACMG Guidelines, 2015. Collection method: research. Allele origin: unknown. Affected: yes. Observed: 1 variant allele.

PreventionGenetics, part of Exact Sciences
Classification: Likely benign for MYPN-related condition. Last evaluated: 2024-07-15. Review status: no assertion criteria provided. Collection method: clinical testing. Allele origin: germline. Not counted in ClinVar's aggregate classification.
Comment: This variant is classified as likely benign based on ACMG/AMP sequence variant interpretation guidelines (Richards et al. 2015 PMID: 25741868, with internal and published modifications).